The following is an entry in ClinVar:

ClinVar aggregate classification (germline): Uncertain significance. Review status: criteria provided, multiple submitters, no conflicts (2 of 4 stars). 2 submissions from 2 submitters: Uncertain significance (2). Last evaluated 2024-05-17.

Conditions:
Nephronophthisis. Also called: Juvenile Nephronophthisis. Identifiers: Orphanet 655, MedGen C0687120, MONDO:0019005, HP:0000090.
Senior-Loken syndrome 5 (SLSN5). Identifiers: Orphanet 3156, MedGen C1836517, MONDO:0012225, OMIM 609254.

Allele frequency attached by ClinVar (database versions not stated): TOPMed below 0.00001; gnomAD 0.00001.
gnomAD v4.1: 1 of 1,613,022 alleles (0.000062%); highest among the groups gnomAD compares: African/African-American, 0.0013%; no homozygotes.

Submissions (2):

Fulgent Genetics
Classification: Uncertain significance for Senior-Loken syndrome 5. Last evaluated: 2024-05-17. Review status: criteria provided, single submitter. Criteria: ACMG Guidelines, 2015. Collection method: clinical testing. Allele origin: germline.

Labcorp Genetics (formerly Invitae), Labcorp
Classification: Uncertain significance for Nephronophthisis. Last evaluated: 2022-10-17. Review status: criteria provided, single submitter. Criteria: Invitae Variant Classification Sherloc (09022015). Collection method: clinical testing. Allele origin: germline.
Comment: In summary, the available evidence is currently insufficient to determine the role of this variant in disease. Therefore, it has been classified as a Variant of Uncertain Significance. Advanced modeling of protein sequence and biophysical properties (such as structural, functional, and spatial information, amino acid conservation, physicochemical variation, residue mobility, and thermodynamic stability) performed at Invitae indicates that this missense variant is not expected to disrupt IQCB1 protein function. ClinVar contains an entry for this variant (Variation ID: 1362235). This variant has not been reported in the literature in individuals affected with IQCB1-related conditions. This variant is not present in population databases (gnomAD no frequency). This sequence change replaces histidine, which is basic and polar, with arginine, which is basic and polar, at codon 469 of the IQCB1 protein (p.His469Arg).

NM_001023570.4(IQCB1):c.1406A>G (p.His469Arg)

Gene: IQCB1 (IQ motif containing B1; minus strand). Cytogenetic location: 3q13.33.
Variant type: single nucleotide variant.
Coding change: c.1406A>G on transcript NM_001023570.4 (MANE Select); coding-DNA position 1406, A replaced by G.
Protein change: p.His469Arg; replaces histidine 469 with arginine.
Molecular consequence: missense variant. On other transcripts: non-coding transcript variant (1).
Genome position (GRCh38, 1-based): chr3:121,781,747, T>C on the plus strand (A>G on the coding strand, the complement: IQCB1 is on the minus strand). VCF-style: chr3-121781747-T-C. GRCh37 (hg19) VCF-style: chr3-121500594-T-C.
Other names: c.1007A>G, p.His336Arg (NM_001023571.4); c.1406A>G, p.His469Arg (NM_001319107.2); short protein forms H469R, H336R.
Identifiers: ClinVar variation 1362235 (VCV001362235.9), dbSNP rs898997712, ClinGen allele CA82725841.